The following is an entry in ClinVar:

ClinVar aggregate classification (germline): Conflicting classifications of pathogenicity. Review status: criteria provided, conflicting classifications (1 of 4 stars). 3 submissions from 3 submitters: Uncertain significance (2); Likely benign (1). Last evaluated 2025-01-16.

Conditions:
Inborn genetic diseases. Identifiers: MedGen C0950123, MeSH D030342.

Allele frequency attached by ClinVar (database versions not stated): gnomAD exomes 0.00001; ExAC 0.00002; TOPMed 0.00003; gnomAD 0.00005 and 0.00006.
gnomAD v4.1: 17 of 1,612,202 alleles (0.0011%); highest among the groups gnomAD compares: Admixed American, 0.017%; no homozygotes.

Submissions (3):

Ambry Genetics
Classification: Likely benign for Inborn genetic diseases. Last evaluated: 2025-01-16. Review status: criteria provided, single submitter. Criteria: Ambry Variant Classification Scheme 2023. Collection method: clinical testing. Allele origin: germline.

GeneDx
Classification: Uncertain significance. Last evaluated: 2023-05-24. Review status: criteria provided, single submitter. Criteria: GeneDx Variant Classification Process June 2021. Collection method: clinical testing. Allele origin: germline. Affected: yes.
Comment: Not observed at a significant frequency in large population cohorts (gnomAD); In silico analysis supports that this missense variant does not alter protein structure/function; Has not been previously published as pathogenic or benign to our knowledge

Labcorp Genetics (formerly Invitae), Labcorp
Classification: Uncertain significance. Last evaluated: 2022-08-23. Review status: criteria provided, single submitter. Criteria: Invitae Variant Classification Sherloc (09022015). Collection method: clinical testing. Allele origin: germline.
Comment: This sequence change replaces isoleucine, which is neutral and non-polar, with valine, which is neutral and non-polar, at codon 648 of the PCDH15 protein (p.Ile648Val). This variant is present in population databases (rs745647844, gnomAD 0.006%). This variant has not been reported in the literature in individuals affected with PCDH15-related conditions. ClinVar contains an entry for this variant (Variation ID: 1413531). Algorithms developed to predict the effect of missense changes on protein structure and function output the following: SIFT: "Deleterious"; PolyPhen-2: "Benign"; Align-GVGD: "Class C0". The valine amino acid residue is found in multiple mammalian species, which suggests that this missense change does not adversely affect protein function. In summary, the available evidence is currently insufficient to determine the role of this variant in disease. Therefore, it has been classified as a Variant of Uncertain Significance.

NM_001384140.1(PCDH15):c.1942A>G (p.Ile648Val)

Gene: PCDH15 (protocadherin related 15; minus strand). Cytogenetic location: 10q21.1.
Variant type: single nucleotide variant.
Coding change: c.1942A>G on transcript NM_001384140.1 (MANE Select); coding-DNA position 1942, A replaced by G.
Protein change: p.Ile648Val; replaces isoleucine 648 with valine.
Molecular consequence: missense variant. On other transcripts: intron variant (1).
Genome position (GRCh38, 1-based): chr10:54,090,039, T>C on the plus strand (A>G on the coding strand, the complement: PCDH15 is on the minus strand). VCF-style: chr10-54090039-T-C. GRCh37 (hg19) VCF-style: chr10-55849799-T-C.
Other names: c.1957A>G, p.Ile653Val (NM_001142763.2, NM_001142771.2); c.1942A>G, p.Ile648Val (NM_001142764.2, NM_001142766.2, NM_001142770.3 and 5 more transcripts); c.1831A>G, p.Ile611Val (NM_001142767.2); c.1876A>G, p.Ile626Val (NM_001142768.2, NM_001142773.2, NM_001354404.2); c.1978A>G, p.Ile660Val (NM_001142769.4); c.1963A>G, p.Ile655Val (NM_001354411.2); c.1785-10615A>G (NM_001142765.2); short protein forms I626V, I655V, I611V, I648V, I660V, I653V.
Identifiers: ClinVar variation 1413531 (VCV001413531.4), dbSNP rs745647844, ClinGen allele CA5506195.